The following is an entry in ClinVar:

NM_002473.6(MYH9):c.5151-4G>A

Gene: MYH9 (myosin heavy chain 9; minus strand). Cytogenetic location: 22q12.3.
Variant type: single nucleotide variant.
Coding change: c.5151-4G>A on transcript NM_002473.6 (MANE Select); 4 bases into the intron before coding-DNA position 5151, G replaced by A.
Molecular consequence: intron variant.
Genome position (GRCh38, 1-based): chr22:36,285,785, C>T on the plus strand (G>A on the coding strand, the complement: MYH9 is on the minus strand). VCF-style: chr22-36285785-C-T. GRCh37 (hg19) VCF-style: chr22-36681831-C-T.
Other names: c.5151-4G>A (NM_002473.5).
Identifiers: ClinVar variation 44568 (VCV000044568.45), dbSNP rs368125656, ClinGen allele CA134555.
Genomic context (GRCh38, chr22:36,285,785, plus strand): 5'-TCCTCCAGCTGGGCGATGCGGGCCTCCAGACGCCGCTTCTCCTCTAACGCCAGGGCTCTG[C>T]GGGGTGGGCGGGAGAAGTGAGGGGCCTACCCTGGGGACACACCTGGTCCCCCCCAACTCT-3'

ClinVar aggregate classification (germline): Conflicting classifications of pathogenicity. Review status: criteria provided, conflicting classifications (1 of 4 stars). 7 submissions from 7 submitters: Uncertain significance (1); Likely benign (5). 1 of the submissions does not count toward it. Last evaluated 2026-02-04.

Conditions:
MYH9-related disorder. Identifiers: MedGen C1854520.

Allele frequency attached by ClinVar (database versions not stated): ExAC 0.00004; gnomAD exomes 0.00004 and 0.00005; gnomAD 0.00005 and 0.00007; TOPMed 0.00005; ESP Exome Variant Server 0.00008.
gnomAD v4.1: 75 of 1,607,036 alleles (0.0047%); highest among the groups gnomAD compares: African/African-American, 0.011%; no homozygotes.

Submissions (7):

Labcorp Genetics (formerly Invitae), Labcorp
Classification: Likely benign. Last evaluated: 2026-02-04. Review status: criteria provided, single submitter. Criteria: Invitae Variant Classification Sherloc (09022015). Collection method: clinical testing. Allele origin: germline.

Blueprint Genetics
Classification: Likely benign. Last evaluated: 2024-08-05. Review status: criteria provided, single submitter. Criteria: ACMG Guidelines, 2015. Collection method: clinical testing. Allele origin: germline.

CeGaT Center for Human Genetics Tuebingen
Classification: Likely benign. Last evaluated: 2023-07-01. Review status: criteria provided, single submitter. Criteria: CeGaT Center For Human Genetics Tuebingen Variant Classification Criteria Version 2. Collection method: clinical testing. Allele origin: germline. Affected: yes. Observed: 1 variant allele.
Comment: MYH9: BP4

GeneDx
Classification: Likely benign. Last evaluated: 2021-03-26. Review status: criteria provided, single submitter. Criteria: GeneDx Variant Classification Process June 2021. Collection method: clinical testing. Allele origin: germline. Affected: yes.

Eurofins Ntd Llc (ga)
Classification: Uncertain significance. Last evaluated: 2014-10-16. Review status: criteria provided, single submitter. Criteria: EGL Classification Definitions 2015. Collection method: clinical testing. Allele origin: germline. Observed: 1 variant allele, 1 heterozygote.

Laboratory for Molecular Medicine, Mass General Brigham Personalized Medicine
Classification: Likely benign. Last evaluated: 2013-03-09. Review status: criteria provided, single submitter. Criteria: LMM Criteria. Collection method: clinical testing. Allele origin: germline. Observed: 1 variant allele.
Comment: 5151-4G>A in intron 36 of MYH9: This variant is not expected to have clinical si gnificance because it is not located within the conserved splice consensus seque nce and has been identified in 0.02% (1/4402) of African American chromosomes fr om a broad population by the NHLBI Exome Sequencing Project

PreventionGenetics, part of Exact Sciences
Classification: Likely benign for MYH9-related condition. Last evaluated: 2021-05-12. Review status: no assertion criteria provided. Collection method: clinical testing. Allele origin: germline. Not counted in ClinVar's aggregate classification.
Comment: This variant is classified as likely benign based on ACMG/AMP sequence variant interpretation guidelines (Richards et al. 2015 PMID: 25741868, with internal and published modifications).